The following is an entry in ClinVar:

NM_173477.5(USH1G):c.539G>C (p.Ser180Thr)

Gene: USH1G (USH1 protein network component sans; minus strand). Cytogenetic location: 17q25.1.
Variant type: single nucleotide variant.
Coding change: c.539G>C on transcript NM_173477.5 (MANE Select); coding-DNA position 539, G replaced by C.
Protein change: p.Ser180Thr; replaces serine 180 with threonine.
Molecular consequence: missense variant.
Genome position (GRCh38, 1-based): chr17:74,920,297, C>G on the plus strand (G>C on the coding strand, the complement: USH1G is on the minus strand). VCF-style: chr17-74920297-C-G. GRCh37 (hg19) VCF-style: chr17-72916392-C-G.
Other names: c.230G>C, p.Ser77Thr (NM_001282489.3); c.539G>C (NM_173477.2); short protein forms S180T, S77T.
Identifiers: ClinVar variation 1895934 (VCV001895934.6), dbSNP rs374579438, ClinGen allele CA8754050.
Genomic context (GRCh38, chr17:74,920,297, plus strand): 5'-GGCAGGTGGCTGCCCAGCGCCAGATGCTGCAGCCGGCGGCTCAGGGTGCTGGACGTGAGG[C>G]TGGAGAAGCTGAGGGTGTCGGAACGCTCGGCCAGCTCGCGCCGGTATCGCCGCTCCATGC-3'
Protein context (NP_775748.2, residues 170-190): AERSDTLSFS[Ser180Thr]LTSSTLSRRL

ClinVar aggregate classification (germline): Uncertain significance. Review status: criteria provided, multiple submitters, no conflicts (2 of 4 stars). 3 submissions from 3 submitters: Uncertain significance (3). Last evaluated 2025-09-26.

Conditions:
Inborn genetic diseases. Identifiers: MedGen C0950123, MeSH D030342.

Allele frequency attached by ClinVar (database versions not stated): TOPMed below 0.00001; ExAC 0.00001; ESP Exome Variant Server 0.00015.
gnomAD v4.1: 12 of 1,605,894 alleles (0.00075%); highest among the groups gnomAD compares: Non-Finnish European, 0.001%; no homozygotes.

Submissions (3):

Ambry Genetics
Classification: Uncertain significance for Inborn genetic diseases. Last evaluated: 2025-09-26. Review status: criteria provided, single submitter. Criteria: Ambry Variant Classification Scheme 2023. Collection method: clinical testing. Allele origin: germline.

Blueprint Genetics
Classification: Uncertain significance. Last evaluated: 2022-06-13. Review status: criteria provided, single submitter. Criteria: ACMG Guidelines, 2015. Collection method: clinical testing. Allele origin: germline.

Labcorp Genetics (formerly Invitae), Labcorp
Classification: Uncertain significance. Last evaluated: 2022-03-28. Review status: criteria provided, single submitter. Criteria: Invitae Variant Classification Sherloc (09022015). Collection method: clinical testing. Allele origin: germline.
Comment: In summary, the available evidence is currently insufficient to determine the role of this variant in disease. Therefore, it has been classified as a Variant of Uncertain Significance. Algorithms developed to predict the effect of missense changes on protein structure and function are either unavailable or do not agree on the potential impact of this missense change (SIFT: "Not Available"; PolyPhen-2: "Probably Damaging"; Align-GVGD: "Not Available"). This variant has not been reported in the literature in individuals affected with USH1G-related conditions. This variant is present in population databases (rs374579438, gnomAD 0.007%). This sequence change replaces serine, which is neutral and polar, with threonine, which is neutral and polar, at codon 180 of the USH1G protein (p.Ser180Thr).